The following is an entry in ClinVar:

ClinVar aggregate classification (germline): Pathogenic/Likely pathogenic. Review status: criteria provided, multiple submitters, no conflicts (2 of 4 stars). 2 submissions from 2 submitters: Pathogenic (1); Likely pathogenic (1). Last evaluated 2025-07-22.

Conditions:
Autosomal recessive limb-girdle muscular dystrophy type 2J (LGMDR10). Also called: MUSCULAR DYSTROPHY, LIMB-GIRDLE, AUTOSOMAL RECESSIVE 10; Limb-girdle muscular dystrophy, type 2J. Identifiers: Orphanet 140922, MedGen C1837342, MONDO:0012127, OMIM 608807.
Dilated cardiomyopathy 1G (CMD1G). Identifiers: Orphanet 154, MedGen C1858763, MONDO:0011400, OMIM 604145.
Cardiomyopathy (CMYO). Also called: Cardiomyopathies. Identifiers: Orphanet 167848, MedGen C0878544, MONDO:0004994, HP:0001638. Inheritance: Various modes of inheritance.

Allele frequency attached by ClinVar (database versions not stated): TOPMed 0.00001; ExAC 0.00002; gnomAD exomes 0.00003.
gnomAD v4.1: 6 of 1,567,122 alleles (0.00038%); highest among the groups gnomAD compares: Admixed American, 0.0097%; no homozygotes.

Submissions (2):

Labcorp Genetics (formerly Invitae), Labcorp
Classification: Pathogenic for Dilated cardiomyopathy 1G; Autosomal recessive limb-girdle muscular dystrophy type 2J. Last evaluated: 2025-07-22. Review status: criteria provided, single submitter. Criteria: Invitae Variant Classification Sherloc (09022015). Collection method: clinical testing. Allele origin: germline.
Comment: This sequence change affects an acceptor splice site in intron 67 of the TTN gene. It is expected to disrupt RNA splicing and likely results in a truncated or disrupted TTN protein. This variant is present in population databases (rs767658044, gnomAD 0.02%). Disruption of this splice site has been observed in individuals with autosomal recessive TTN-related conditions (PMID: 21520333, 30365001; internal data). ClinVar contains an entry for this variant (Variation ID: 1301379). Algorithms developed to predict the effect of sequence changes on RNA splicing suggest that this variant may disrupt the consensus splice site. This variant is located in the I band of TTN (PMID: 25589632). Truncating variants in this region have been reported in individuals affected with autosomal recessive centronuclear myopathy (PMID: 23975875, internal data). Truncating variants in this region have also been identified in individuals affected with autosomal dominant dilated cardiomyopathy and/or cardio-related conditions (PMID: 27869827, 32964742, internal data). For these reasons, this variant has been classified as Pathogenic.

Women's Health and Genetics/Laboratory Corporation of America, LabCorp
Classification: Likely pathogenic for Cardiomyopathy. Last evaluated: 2025-01-16. Review status: criteria provided, single submitter. Criteria: LabCorp Variant Classification Summary - May 2015. Collection method: clinical testing. Allele origin: germline.
Comment: Variant summary: TTN NM_133378:c.15983-1G>A (also known as NM_001267550:c.19715-1G>A) is located in a canonical splice-site and is predicted to affect mRNA splicing resulting in a significantly altered protein due to either exon skipping, shortening, or inclusion of intronic material. Variants that disrupt the consensus splice site are a relatively common cause of aberrant splicing and loss of TTN function. Loss of function variants in all TTN bands are strongly associated with a spectrum of autosomal recessive titinopathies when exon expression (proportion spliced in, PSI, 1=complete expression) in skeletal muscle is >0.1 (PMID: 36977548, 39198997, 29598826, 32778822, 29691892, 33449170, 36977548, internal data). In contrast, loss of function variants in all TTN bands are only strongly associated with autosomal dominant TTN-related cardiomyopathies if located in exons constitutively expressed (PSI >0.9) in cardiac muscle, excluding extreme C-terminal exons 359-363 (PMID: 25589632, 31216868, 32964742, 34662387, 27869827, Shetty et al., Nat Cardiovasc Res 2024,, internal data). This variant has a maximum skeletal muscle PSI of 0.937 and a maximum cardiac muscle PSI of 0.205. Several computational tools predict a significant impact on normal splicing: Two predict the variant abolishes a 3 acceptor site. However, these predictions have yet to be confirmed by functional studies. The variant allele was found at a frequency of 3.8e-06 in 1567122 control chromosomes. To our knowledge, no occurrence of c.15983-1G>A in individuals affected with TTN-related conditions and no experimental evidence demonstrating its impact on protein function have been reported. ClinVar contains an entry for this variant (Variation ID: 1301379). Based on the evidence outlined above, the variant was classified as likely pathogenic for autosomal recessive TTN-related conditions.

Literature cited by the submitters: PubMed 21520333 (cited by Labcorp Genetics (formerly Invitae), Labcorp); PubMed 30365001 (cited by Labcorp Genetics (formerly Invitae), Labcorp); PubMed 25589632 (cited by Labcorp Genetics (formerly Invitae), Labcorp); PubMed 23975875 (cited by Labcorp Genetics (formerly Invitae), Labcorp); PubMed 27869827 (cited by Labcorp Genetics (formerly Invitae), Labcorp); PubMed 32964742 (cited by Labcorp Genetics (formerly Invitae), Labcorp).

NM_001267550.2(TTN):c.19715-1G>A

Genes: TTN (titin; minus strand), LOC126806429 (BRD4-independent group 4 enhancer GRCh37_chr2:179591393-179592592; plus strand). Cytogenetic location: 2q31.2.
Variant type: single nucleotide variant.
Coding change: c.19715-1G>A on transcript NM_001267550.2 (MANE Select); the canonical splice acceptor site of the intron before coding-DNA position 19715, G replaced by A.
Molecular consequence: splice acceptor variant. On other transcripts: intron variant (3).
Genome position (GRCh38, 1-based): chr2:178,727,864, C>T on the plus strand (G>A on the coding strand, the complement: TTN is on the minus strand). VCF-style: chr2-178727864-C-T. GRCh37 (hg19) VCF-style: chr2-179592591-C-T.
Other names: c.13282+10218G>A (NM_003319.4); c.13858+10218G>A (NM_133437.4); c.13657+10218G>A (NM_133432.3); c.15983-1G>A (NM_133378.4); c.18764-1G>A (NM_001256850.1).
Identifiers: ClinVar variation 1301379 (VCV001301379.9), dbSNP rs767658044, ClinGen allele CA2001346.